The following is an entry in ClinVar:

NM_173660.5(DOK7):c.86C>T (p.Pro29Leu)

Gene: DOK7 (docking protein 7; plus strand). Cytogenetic location: 4p16.3.
Variant type: single nucleotide variant.
Coding change: c.86C>T on transcript NM_173660.5 (MANE Select); coding-DNA position 86, C replaced by T.
Protein change: p.Pro29Leu; replaces proline 29 with leucine.
Molecular consequence: missense variant.
Genome position (GRCh38, 1-based): chr4:3,463,537, C>T. VCF-style: chr4-3463537-C-T. GRCh37 (hg19) VCF-style: chr4-3465264-C-T.
Other names: c.86C>T, p.Pro29Leu (NM_001164673.2, NM_001301071.2, NM_001363811.2); short protein forms P29L.
Identifiers: ClinVar variation 950832 (VCV000950832.9), dbSNP rs1478257270, ClinGen allele CA356112135.

ClinVar aggregate classification (germline): Uncertain significance (1 of 4 stars; one submission).

Conditions:
Fetal akinesia deformation sequence 1 (FADS1). Also called: Fetal akinesia sequence; Pena-Shokeir syndrome type I. Identifiers: Orphanet 994, MedGen C1276035, MONDO:0100101, OMIM 208150, HP:0001989.
Congenital myasthenic syndrome 10. Also called: Myasthenia, limb-girdle, familial. Identifiers: Orphanet 590, MedGen C1850792, MONDO:0009690, OMIM 254300.

Allele frequency attached by ClinVar (database versions not stated): gnomAD exomes 0.00002.
gnomAD v4.1: 26 of 1,267,110 alleles (0.0021%); highest among the groups gnomAD compares: Admixed American, 0.0047%; no homozygotes.

Submission:

Labcorp Genetics (formerly Invitae), Labcorp
Classification: Uncertain significance for Congenital myasthenic syndrome 10; Fetal akinesia deformation sequence 1. Last evaluated: 2021-09-01. Review status: criteria provided, single submitter. Criteria: Invitae Variant Classification Sherloc (09022015). Collection method: clinical testing. Allele origin: germline.
Comment: This sequence change replaces proline with leucine at codon 29 of the DOK7 protein (p.Pro29Leu). The proline residue is weakly conserved and there is a moderate physicochemical difference between proline and leucine. The frequency data for this variant in the population databases is considered unreliable, as metrics indicate insufficient coverage at this position in the ExAC database. This variant has not been reported in the literature in individuals affected with DOK7-related conditions. Algorithms developed to predict the effect of missense changes on protein structure and function are either unavailable or do not agree on the potential impact of this missense change (SIFT: "Deleterious"; PolyPhen-2: "Benign"; Align-GVGD: "Class C0"). In summary, the available evidence is currently insufficient to determine the role of this variant in disease. Therefore, it has been classified as a Variant of Uncertain Significance.